The following is an entry in ClinVar:

ClinVar aggregate classification (germline): Likely pathogenic (1 of 4 stars; one submission).

Conditions:
Hereditary cancer-predisposing syndrome. Also called: Hereditary Cancer Syndrome; Tumor predisposition; Hereditary neoplastic syndrome; Neoplastic Syndromes, Hereditary. Identifiers: Orphanet 140162, MedGen C0027672, MeSH D009386, MONDO:0015356.
Cardiovascular phenotype. Identifiers: MedGen CN230736.

Submission:

Ambry Genetics
Classification: Likely pathogenic for Cardiovascular phenotype; Hereditary cancer-predisposing syndrome. Last evaluated: 2024-10-10. Review status: criteria provided, single submitter. Criteria: Ambry Variant Classification Scheme 2023. Collection method: clinical testing. Allele origin: germline.
Comment: The c.6085-2A>C intronic variant results from an A to C substitution two nucleotides upstream from coding exon 41 in the NF1 gene. This nucleotide position is highly conserved in available vertebrate species. In silico splice site analysis predicts that this alteration will weaken the native splice acceptor site. RNA studies have demonstrated that this alteration results in abnormal splicing in the set of samples tested (Ambry internal data). Based on the majority of available evidence to date, this variant is likely to be pathogenic.

NM_001042492.3(NF1):c.6148-2A>C

Gene: NF1 (neurofibromin 1; plus strand). Cytogenetic location: 17q11.2.
Variant type: single nucleotide variant.
Coding change: c.6148-2A>C on transcript NM_001042492.3 (MANE Select); the canonical splice acceptor site of the intron before coding-DNA position 6148, A replaced by C.
Molecular consequence: splice acceptor variant.
Genome position (GRCh38, 1-based): chr17:31,336,633, A>C. VCF-style: chr17-31336633-A-C. GRCh37 (hg19) VCF-style: chr17-29663651-A-C.
Other names: c.6085-2A>C (NM_000267.4).
Identifiers: ClinVar variation 3404767 (VCV003404767.1).